The following is an entry in ClinVar:

NM_172240.3(POC1B):c.93G>T (p.Lys31Asn)

Genes: POC1B (POC1 centriolar protein B; minus strand), POC1B-DUSP6 (POC1B-DUSP6 readthrough; minus strand), POC1B-GALNT4 (POC1B-GALNT4 readthrough; minus strand), LOC130008356 (ATAC-STARR-seq lymphoblastoid silent region 4693; plus strand). Cytogenetic location: 12q21.33.
Variant type: single nucleotide variant.
Coding change: c.93G>T on transcript NM_172240.3 (MANE Select); coding-DNA position 93, G replaced by T.
Protein change: p.Lys31Asn; replaces lysine 31 with asparagine.
Molecular consequence: missense variant. On other transcripts: 5 prime UTR variant (1), non-coding transcript variant (2).
Genome position (GRCh38, 1-based): chr12:89,525,127, C>A on the plus strand (G>T on the coding strand, the complement: POC1B is on the minus strand). VCF-style: chr12-89525127-C-A. GRCh37 (hg19) VCF-style: chr12-89918904-C-A.
Other names: c.93G>T, p.Lys31Asn (NM_001199781.2); c.353G>T, p.Ser118Ile (NM_001199782.1); c.-34G>T (NM_001199777.2); short protein forms S118I, K31N.
Identifiers: ClinVar variation 1413606 (VCV001413606.3), dbSNP rs907268404, ClinGen allele CA241201509.

ClinVar aggregate classification (germline): Uncertain significance (1 of 4 stars; one submission).

Submission:

Labcorp Genetics (formerly Invitae), Labcorp
Classification: Uncertain significance. Last evaluated: 2022-08-09. Review status: criteria provided, single submitter. Criteria: Invitae Variant Classification Sherloc (09022015). Collection method: clinical testing. Allele origin: germline.
Comment: This sequence change replaces lysine, which is basic and polar, with asparagine, which is neutral and polar, at codon 31 of the POC1B protein (p.Lys31Asn). This variant is not present in population databases (gnomAD no frequency). This variant has not been reported in the literature in individuals affected with POC1B-related conditions. ClinVar contains an entry for this variant (Variation ID: 1413606). Advanced modeling of protein sequence and biophysical properties (such as structural, functional, and spatial information, amino acid conservation, physicochemical variation, residue mobility, and thermodynamic stability) performed at Invitae indicates that this missense variant is not expected to disrupt POC1B protein function. In summary, the available evidence is currently insufficient to determine the role of this variant in disease. Therefore, it has been classified as a Variant of Uncertain Significance.